The following is an entry in ClinVar:

ClinVar aggregate classification (germline): Pathogenic (1 of 4 stars; one submission).

Submission:

Labcorp Genetics (formerly Invitae), Labcorp
Classification: Pathogenic. Last evaluated: 2025-08-21. Review status: criteria provided, single submitter. Criteria: Invitae Variant Classification Sherloc (09022015). Collection method: clinical testing. Allele origin: germline.
Comment: This sequence change creates a premature translational stop signal (p.Gln1286*) in the EIF2AK4 gene. It is expected to result in an absent or disrupted protein product. Loss-of-function variants in EIF2AK4 are known to be pathogenic (PMID: 12215525, 24135949, 24292273, 24310610, 28972005, 29743074). This variant is not present in population databases (gnomAD no frequency). This variant has not been reported in the literature in individuals affected with EIF2AK4-related conditions. Algorithms developed to predict the effect of sequence changes on RNA splicing suggest that this variant may disrupt the consensus splice site. For these reasons, this variant has been classified as Pathogenic.

Literature cited by the submitters: PubMed 12215525; PubMed 24135949; PubMed 24292273; PubMed 24310610; PubMed 28972005; PubMed 29743074.

NM_001013703.4(EIF2AK4):c.3856C>T (p.Gln1286Ter)

Gene: EIF2AK4 (eukaryotic translation initiation factor 2 alpha kinase 4; plus strand). Cytogenetic location: 15q15.1.
Variant type: single nucleotide variant.
Coding change: c.3856C>T on transcript NM_001013703.4 (MANE Select); coding-DNA position 3856, C replaced by T.
Protein change: p.Gln1286Ter; replaces glutamine 1286 with a stop codon.
Molecular consequence: nonsense.
Genome position (GRCh38, 1-based): chr15:40,016,598, C>T. VCF-style: chr15-40016598-C-T. GRCh37 (hg19) VCF-style: chr15-40308799-C-T.
Other names: short protein forms Q1286*.
Identifiers: ClinVar variation 4710798 (VCV004710798.1).